The following is an entry in ClinVar:

ClinVar aggregate classification (germline): Uncertain significance. Review status: criteria provided, multiple submitters, no conflicts (2 of 4 stars). 2 submissions from 2 submitters: Uncertain significance (2). Last evaluated 2025-06-10.

gnomAD v4.1: 789 of 1,608,808 alleles (0.049%); highest among the groups gnomAD compares: East Asian, 1.7%; 6 homozygotes.

Submissions (8):

Labcorp Genetics (formerly Invitae), Labcorp
Classification: Uncertain significance. Last evaluated: 2025-06-10. Review status: criteria provided, single submitter. Criteria: Invitae Variant Classification Sherloc (09022015). Collection method: clinical testing. Allele origin: germline.
Comment: This sequence change replaces aspartic acid, which is acidic and polar, with glycine, which is neutral and non-polar, at codon 365 of the GFM2 protein (p.Asp365Gly). This variant is present in population databases (rs118133558, gnomAD 0.2%), and has an allele count higher than expected for a pathogenic variant. This variant has not been reported in the literature in individuals affected with GFM2-related conditions. ClinVar contains an entry for this variant (Variation ID: 3766070). Invitae Evidence Modeling of protein sequence and biophysical properties (such as structural, functional, and spatial information, amino acid conservation, physicochemical variation, residue mobility, and thermodynamic stability) indicates that this missense variant is not expected to disrupt GFM2 protein function with a negative predictive value of 80%. Algorithms developed to predict the effect of sequence changes on RNA splicing suggest that this variant may disrupt the consensus splice site. In summary, the available evidence is currently insufficient to determine the role of this variant in disease. Therefore, it has been classified as a Variant of Uncertain Significance.

GeneDx
Classification: Uncertain significance. Last evaluated: 2025-03-12. Review status: criteria provided, single submitter. Criteria: GeneDx Variant Classification Process June 2021. Collection method: clinical testing. Allele origin: germline.
Comment: In silico analysis indicates that this missense variant does not alter protein structure/function; Has not been previously published as pathogenic or benign to our knowledge; In silico analysis is inconclusive as to whether the variant alters gene splicing. In the absence of RNA/functional studies, the actual effect of this sequence change is unknown

Dr. Peter K. Rogan Lab, Western University
No classification provided (evidence only). Condition: Cervical cancer. Review status: no classification provided. Collection method: in vitro. Allele origin: not applicable. Functional consequence: skipped exon. Not counted in ClinVar's aggregate classification.

Dr. Peter K. Rogan Lab, Western University
No classification provided (evidence only). Condition: Hepatocellular carcinoma. Review status: no classification provided. Collection method: in vitro. Allele origin: not applicable. Functional consequence: skipped exon. Not counted in ClinVar's aggregate classification.

Dr. Peter K. Rogan Lab, Western University
No classification provided (evidence only). Condition: Hepatocellular carcinoma. Review status: no classification provided. Collection method: in vitro. Allele origin: not applicable. Functional consequence: skipped exon. Not counted in ClinVar's aggregate classification.

Dr. Peter K. Rogan Lab, Western University
No classification provided (evidence only). Condition: Hepatocellular carcinoma. Review status: no classification provided. Collection method: in vitro. Allele origin: not applicable. Functional consequence: skipped exon. Not counted in ClinVar's aggregate classification.

Dr. Peter K. Rogan Lab, Western University
No classification provided (evidence only). Condition: Gastric cancer. Review status: no classification provided. Collection method: in vitro. Allele origin: not applicable. Functional consequence: skipped exon. Not counted in ClinVar's aggregate classification.

Dr. Peter K. Rogan Lab, Western University
No classification provided (evidence only). Condition: Malignant tumor of esophagus. Review status: no classification provided. Collection method: in vitro. Allele origin: not applicable. Functional consequence: skipped exon. Not counted in ClinVar's aggregate classification.

NM_032380.5(GFM2):c.1094A>G (p.Asp365Gly)

Gene: GFM2 (GTP dependent ribosome recycling factor mitochondrial 2; minus strand). Cytogenetic location: 5q13.3.
Variant type: single nucleotide variant.
Coding change: c.1094A>G on transcript NM_032380.5 (MANE Select); coding-DNA position 1094, A replaced by G.
Protein change: p.Asp365Gly; replaces aspartic acid 365 with glycine.
Molecular consequence: missense variant. On other transcripts: non-coding transcript variant (1), intron variant (1).
Genome position (GRCh38, 1-based): chr5:74,738,628, T>C on the plus strand (A>G on the coding strand, the complement: GFM2 is on the minus strand). VCF-style: chr5-74738628-T-C. GRCh37 (hg19) VCF-style: chr5-74034453-T-C.
Other names: NC_000005.9:g.74034453T>C; c.1190A>G, p.Asp397Gly (NM_001281302.2); c.1094A>G, p.Asp365Gly (NM_170681.3); c.1080-211A>G (NM_170691.3); short protein forms D365G, D397G.
Identifiers: ClinVar variation 3766070 (VCV003766070.4).